The following is an entry in ClinVar:

NM_001458.5(FLNC):c.3621C>G (p.Asn1207Lys)

Gene: FLNC (filamin C; plus strand). Cytogenetic location: 7q32.1.
Variant type: single nucleotide variant.
Coding change: c.3621C>G on transcript NM_001458.5 (MANE Select); coding-DNA position 3621, C replaced by G.
Protein change: p.Asn1207Lys; replaces asparagine 1207 with lysine.
Molecular consequence: missense variant.
Genome position (GRCh38, 1-based): chr7:128,845,086, C>G. VCF-style: chr7-128845086-C-G. GRCh37 (hg19) VCF-style: chr7-128485140-C-G.
Other names: c.3621C>G, p.Asn1207Lys (NM_001127487.2); short protein forms N1207K.
Identifiers: ClinVar variation 1000205 (VCV001000205.9), dbSNP rs117864464, ClinGen allele CA369197399.

ClinVar aggregate classification (germline): Uncertain significance (1 of 4 stars; one submission).

Conditions:
Myofibrillar myopathy 5. Also called: Filaminopathy (type); FILAMINOPATHY, AUTOSOMAL DOMINANT. Identifiers: Orphanet 171445, MedGen C1836050, MONDO:0012289, OMIM 609524.
Distal myopathy with posterior leg and anterior hand involvement. Also called: WILLIAMS DISTAL MYOPATHY. Identifiers: Orphanet 63273, MedGen C3279722, MONDO:0013550, OMIM 614065.
Hypertrophic cardiomyopathy 26. Also called: Cardiomyopathy, familial hypertrophic, 26. Identifiers: Orphanet 75249, MedGen C4310749, MONDO:0014883, OMIM 617047.

Submission:

Labcorp Genetics (formerly Invitae), Labcorp
Classification: Uncertain significance for Distal myopathy with posterior leg and anterior hand involvement; Myofibrillar myopathy 5; Hypertrophic cardiomyopathy 26. Last evaluated: 2020-07-20. Review status: criteria provided, single submitter. Criteria: Invitae Variant Classification Sherloc (09022015). Collection method: clinical testing. Allele origin: germline.
Comment: This sequence change replaces asparagine with lysine at codon 1207 of the FLNC protein (p.Asn1207Lys). The asparagine residue is moderately conserved and there is a moderate physicochemical difference between asparagine and lysine. Algorithms developed to predict the effect of missense changes on protein structure and function are either unavailable or do not agree on the potential impact of this missense change (SIFT: "Deleterious"; PolyPhen-2: "Possibly Damaging"; Align-GVGD: "Class C0"). This variant has not been reported in the literature in individuals with FLNC-related conditions. In summary, the available evidence is currently insufficient to determine the role of this variant in disease. Therefore, it has been classified as a Variant of Uncertain Significance. This variant is not present in population databases (ExAC no frequency).